The following is an entry in ClinVar:

NM_001077350.3(NPRL3):c.318+3A>T

Genes: HBA-LCR (alpha-globin locus control region; plus strand), NPRL3 (NPR3 like, GATOR1 complex subunit; minus strand). Cytogenetic location: 16p13.3.
Variant type: single nucleotide variant.
Coding change: c.318+3A>T on transcript NM_001077350.3 (MANE Select); 3 bases into the intron after coding-DNA position 318, A replaced by T.
Molecular consequence: intron variant.
Genome position (GRCh38, 1-based): chr16:119,123, T>A on the plus strand (A>T on the coding strand, the complement: NPRL3 is on the minus strand). VCF-style: chr16-119123-T-A. GRCh37 (hg19) VCF-style: chr16-169122-T-A.
Other names: c.84+3A>T (NM_001243247.2); c.318+3A>T (NM_001243248.2, NM_001243249.2); c.-144-6348A>T (NM_001039476.3).
Identifiers: ClinVar variation 574218 (VCV000574218.15), dbSNP rs746765533, ClinGen allele CA7769716.

ClinVar aggregate classification (germline): Conflicting classifications of pathogenicity. Review status: criteria provided, conflicting classifications (1 of 4 stars). 4 submissions from 4 submitters: Likely pathogenic (1); Uncertain significance (3). Last evaluated 2025-07-15.

Conditions:
Inborn genetic diseases. Identifiers: MedGen C0950123, MeSH D030342.
Epilepsy, familial focal, with variable foci 3 (FFEVF3). Identifiers: MedGen C4310708, MONDO:0014925, OMIM 617118.

Allele frequency attached by ClinVar (database versions not stated): TOPMed 0.00001; gnomAD 0.00002.
gnomAD v4.1: 13 of 1,613,008 alleles (0.00081%); no homozygotes.

Submissions (4):

Ambry Genetics
Classification: Likely pathogenic for Inborn genetic diseases. Last evaluated: 2025-07-15. Review status: criteria provided, single submitter. Criteria: Ambry Variant Classification Scheme 2023. Collection method: clinical testing. Allele origin: germline.
Comment: The c.318+3A>T intronic alteration results from an A to T substitution 3 nucleotides after exon 4 (coding exon 3) of the NPRL3 gene. Based on data from gnomAD, the T allele has an overall frequency of 0.002% (4/248066) total alleles studied. The highest observed frequency was 0.040% (4/10012) of Ashkenazi Jewish alleles. This nucleotide position is highly conserved in available vertebrate species. RNA studies have demonstrated that this alteration results in abnormal splicing in the set of samples tested (Ambry internal data). In silico splice site analysis predicts that this alteration will weaken the native splice donor site. Based on the available evidence, this alteration is classified as likely pathogenic.

Labcorp Genetics (formerly Invitae), Labcorp
Classification: Uncertain significance for Epilepsy, familial focal, with variable foci 3. Last evaluated: 2025-02-09. Review status: criteria provided, single submitter. Criteria: Invitae Variant Classification Sherloc (09022015). Collection method: clinical testing. Allele origin: germline.
Comment: This sequence change falls in intron 4 of the NPRL3 gene. It does not directly change the encoded amino acid sequence of the NPRL3 protein. It affects a nucleotide within the consensus splice site. This variant is present in population databases (rs746765533, gnomAD 0.05%). This variant has not been reported in the literature in individuals affected with NPRL3-related conditions. ClinVar contains an entry for this variant (Variation ID: 574218). Variants that disrupt the consensus splice site are a relatively common cause of aberrant splicing (PMID: 17576681, 9536098). Algorithms developed to predict the effect of sequence changes on RNA splicing suggest that this variant may disrupt the consensus splice site. In summary, the available evidence is currently insufficient to determine the role of this variant in disease. Therefore, it has been classified as a Variant of Uncertain Significance.

GeneDx
Classification: Uncertain significance. Last evaluated: 2021-07-19. Review status: criteria provided, single submitter. Criteria: GeneDx Variant Classification Process June 2021. Collection method: clinical testing. Allele origin: germline. Affected: yes.
Comment: Has not been previously published as pathogenic or benign to our knowledge; In silico analysis supports a deleterious effect on splicing; This variant is associated with the following publications: (PMID: 27535533)

New York Genome Center
Classification: Uncertain significance for Epilepsy, familial focal, with variable foci 3. Last evaluated: 2021-05-24. Review status: criteria provided, single submitter. Criteria: NYGC Assertion Criteria 2020. Collection method: clinical testing. Allele origin: inherited. Observed: 1 heterozygote. Study: CSER-NYCKidSeq.
Comment: The inherited heterozygous splice region variant c.318+3A>T has not been reported in the literature in individuals with NPRL3-related disease. The variant affects a nucleotide within the consensus splice site of the intron 4 and is absent in the gnomAD v3.1.1 database, indicating a rare allele. Nucleotide substitutions within the consensus splice site are a relatively common cause of aberrant splicing (PMID:17576681; PMID:9536098). Algorithms developed to predict the effect of sequence changes on RNA splicing suggest that this variant may disrupt the consensus splice site. Still, this prediction has not been confirmed by published transcriptional studies. Based on the available evidence, the inherited variant c.318+3A>T in the NPRL3 gene is classified as a variant of uncertain significance.

Literature cited by the submitters: PubMed 17576681 (cited by Labcorp Genetics (formerly Invitae), Labcorp); PubMed 9536098 (cited by Labcorp Genetics (formerly Invitae), Labcorp).